The following is an entry in ClinVar:

NM_001256545.2(MEGF10):c.2463C>T (p.Pro821=)

Gene: MEGF10 (multiple EGF like domains 10; plus strand). Cytogenetic location: 5q23.2.
Variant type: single nucleotide variant.
Coding change: c.2463C>T on transcript NM_001256545.2 (MANE Select); coding-DNA position 2463, C replaced by T.
Protein change: p.Pro821=; no amino-acid change (proline 821 retained).
Molecular consequence: synonymous variant.
Genome position (GRCh38, 1-based): chr5:127,443,098, C>T. VCF-style: chr5-127443098-C-T. GRCh37 (hg19) VCF-style: chr5-126778790-C-T.
Other names: c.2463C>T, p.Pro821= (NM_032446.3).
Identifiers: ClinVar variation 350664 (VCV000350664.58), dbSNP rs139929890, ClinGen allele CA3391934.

ClinVar aggregate classification (germline): Conflicting classifications of pathogenicity. Review status: criteria provided, conflicting classifications (1 of 4 stars). 5 submissions from 5 submitters: Uncertain significance (1); Benign (1); Likely benign (2). 1 of the submissions does not count toward it. Last evaluated 2026-01-15.

Conditions:
MEGF10-related myopathy (CMYO10A). Also called: Congenital myopathy 10A, severe variant. Identifiers: Orphanet 439212, MedGen C3280679, MONDO:0013731, OMIM 614399.
MEGF10-related disorder. Also called: MEGF10-related condition.

Allele frequency attached by ClinVar (database versions not stated): gnomAD exomes 0.00100; ExAC 0.00127; gnomAD 0.00229; 1000 Genomes Project 30x 0.00250; TOPMed 0.00267; 1000 Genomes Project 0.00280; ESP Exome Variant Server 0.00284.
gnomAD v4.1: 965 of 1,613,476 alleles (0.06%); highest among the groups gnomAD compares: African/African-American, 0.81%; 10 homozygotes.

Submissions (5):

Labcorp Genetics (formerly Invitae), Labcorp
Classification: Benign for MEGF10-related myopathy. Last evaluated: 2026-01-15. Review status: criteria provided, single submitter. Criteria: Invitae Variant Classification Sherloc (09022015). Collection method: clinical testing. Allele origin: germline.

Blueprint Genetics
Classification: Likely benign. Last evaluated: 2024-11-13. Review status: criteria provided, single submitter. Criteria: ACMG Guidelines, 2015. Collection method: clinical testing. Allele origin: germline.

GeneDx
Classification: Likely benign. Last evaluated: 2020-10-29. Review status: criteria provided, single submitter. Criteria: GeneDx Variant Classification Process June 2021. Collection method: clinical testing. Allele origin: germline. Affected: yes.

Illumina Laboratory Services, Illumina
Classification: Uncertain significance for MEGF10-related myopathy. Last evaluated: 2018-01-12. Review status: criteria provided, single submitter. Criteria: ICSL Variant Classification Criteria 13 December 2019. Collection method: clinical testing. Allele origin: germline.

PreventionGenetics, part of Exact Sciences
Classification: Benign for MEGF10-related condition. Last evaluated: 2023-05-22. Review status: no assertion criteria provided. Collection method: clinical testing. Allele origin: germline. Not counted in ClinVar's aggregate classification.
Comment: This variant is classified as benign based on ACMG/AMP sequence variant interpretation guidelines (Richards et al. 2015 PMID: 25741868, with internal and published modifications).